The following is an entry in ClinVar:

NM_005359.6(SMAD4):c.716A>T (p.Gln239Leu)

Gene: SMAD4 (SMAD family member 4; plus strand). Cytogenetic location: 18q21.2.
Variant type: single nucleotide variant.
Coding change: c.716A>T on transcript NM_005359.6 (MANE Select); coding-DNA position 716, A replaced by T.
Protein change: p.Gln239Leu; replaces glutamine 239 with leucine.
Molecular consequence: missense variant.
Genome position (GRCh38, 1-based): chr18:51,058,173, A>T. VCF-style: chr18-51058173-A-T. GRCh37 (hg19) VCF-style: chr18-48584543-A-T.
Other names: short protein forms Q239L.
Identifiers: ClinVar variation 492491 (VCV000492491.6), dbSNP rs1555685916, ClinGen allele CA402462787.

ClinVar aggregate classification (germline): Uncertain significance (1 of 4 stars; one submission).

Conditions:
Hereditary cancer-predisposing syndrome. Also called: Hereditary neoplastic syndrome; Tumor predisposition; Hereditary Cancer Syndrome; Neoplastic Syndromes, Hereditary. Identifiers: Orphanet 140162, MedGen C0027672, MeSH D009386, MONDO:0015356.

Submission:

Color Diagnostics, LLC DBA Color Health
Classification: Uncertain significance for Hereditary cancer-predisposing syndrome. Last evaluated: 2023-12-05. Review status: criteria provided, single submitter. Criteria: ACMG Guidelines, 2015. Collection method: clinical testing. Allele origin: germline.
Comment: This missense variant replaces glutamine with leucine at codon 239 of the SMAD4 protein. Computational prediction suggests that this variant may not impact protein structure and function (internally defined REVEL score threshold <= 0.5, PMID: 27666373). To our knowledge, functional studies have not been reported for this variant. This variant has not been reported in individuals affected with SMAD4-related disorders in the literature. This variant has not been identified in the general population by the Genome Aggregation Database (gnomAD). The available evidence is insufficient to determine the role of this variant in disease conclusively. Therefore, this variant is classified as a Variant of Uncertain Significance.